The following is an entry in ClinVar:

ClinVar aggregate classification (germline): Benign. Review status: criteria provided, single submitter (1 of 4 stars). 2 submissions from 2 submitters: Benign (1). 1 of the submissions does not count toward it. Last evaluated 2024-02-19.

Conditions:
CAMTA1-related disorder. Also called: CAMTA1-related condition.

Allele frequency attached by ClinVar (database versions not stated): 1000 Genomes Project 0.00060; 1000 Genomes Project 30x 0.00062; gnomAD 0.00080 and 0.00088; ESP Exome Variant Server 0.00108; gnomAD exomes 0.00023 and 0.00009; ExAC 0.00038; TOPMed 0.00096.
gnomAD v4.1: 248 of 1,612,548 alleles (0.015%); highest among the groups gnomAD compares: African/African-American, 0.25%; no homozygotes.

Submissions (2):

Labcorp Genetics (formerly Invitae), Labcorp
Classification: Benign. Last evaluated: 2024-02-19. Review status: criteria provided, single submitter. Criteria: Invitae Variant Classification Sherloc (09022015). Collection method: clinical testing. Allele origin: germline.

PreventionGenetics, part of Exact Sciences
Classification: Likely benign for CAMTA1-related condition. Last evaluated: 2020-09-02. Review status: no assertion criteria provided. Collection method: clinical testing. Allele origin: germline. Not counted in ClinVar's aggregate classification.
Comment: This variant is classified as likely benign based on ACMG/AMP sequence variant interpretation guidelines (Richards et al. 2015 PMID: 25741868, with internal and published modifications).

NM_015215.4(CAMTA1):c.3273C>T (p.His1091=)

Gene: CAMTA1 (calmodulin binding transcription activator 1; plus strand). Cytogenetic location: 1p36.23.
Variant type: single nucleotide variant.
Coding change: c.3273C>T on transcript NM_015215.4 (MANE Select); coding-DNA position 3273, C replaced by T.
Protein change: p.His1091=; no amino-acid change (histidine 1091 retained).
Molecular consequence: synonymous variant.
Genome position (GRCh38, 1-based): chr1:7,736,940, C>T. VCF-style: chr1-7736940-C-T. GRCh37 (hg19) VCF-style: chr1-7797000-C-T.
Other names: c.3183C>T, p.His1061= (NM_001349608.2, NM_001349612.2); c.3273C>T, p.His1091= (NM_001349609.2, NM_001349610.2); c.402C>T, p.His134= (NM_001349613.1); c.345C>T, p.His115= (NM_001349614.1, NM_001349615.2, NM_001349616.2 and 10 more transcripts).
Identifiers: ClinVar variation 722528 (VCV000722528.10), dbSNP rs139526435, ClinGen allele CA566896.